The following is an entry in ClinVar:

NM_001329943.3(KIAA0586):c.4093C>T (p.Pro1365Ser)

Gene: KIAA0586 (KIAA0586; plus strand). Cytogenetic location: 14q23.1.
Variant type: single nucleotide variant.
Coding change: c.4093C>T on transcript NM_001329943.3 (MANE Select); coding-DNA position 4093, C replaced by T.
Protein change: p.Pro1365Ser; replaces proline 1365 with serine.
Molecular consequence: missense variant.
Genome position (GRCh38, 1-based): chr14:58,498,885, C>T. VCF-style: chr14-58498885-C-T. GRCh37 (hg19) VCF-style: chr14-58965603-C-T.
Other names: c.4252C>T, p.Pro1418Ser (NM_001244189.2); c.4048C>T, p.Pro1350Ser (NM_001244190.2); c.3838C>T, p.Pro1280Ser (NM_001244191.2, NM_001329945.2, NM_001364700.1 and 1 more transcripts); c.3961C>T, p.Pro1321Ser (NM_001244192.2, NM_001329947.2); c.3673C>T, p.Pro1225Ser (NM_001244193.2); c.4093C>T, p.Pro1365Ser (NM_001329944.2, NM_001329946.2); c.3865C>T, p.Pro1289Ser (NM_014749.5); short protein forms P1225S, P1365S, P1280S, P1418S, P1321S, P1289S, P1350S.
Identifiers: ClinVar variation 1506095 (VCV001506095.5), dbSNP rs776582851, ClinGen allele CA7206316.
Genomic context (GRCh38, chr14:58,498,885, plus strand): 5'-CCCCAGCTAACAGCGGCAGCAGAGAACATCTTAATGGGACATTCTCTCTATATGCAGCCA[C>T]CTGTCACTAATACACAGTCTTTGGATCAACAATGTGATCCTAAACCATTATCTCGGCAAT-3'
Protein context (NP_001316872.1, residues 1355-1375): LMGHSLYMQP[Pro1365Ser]VTNTQSLDQQ

ClinVar aggregate classification (germline): Uncertain significance (1 of 4 stars; one submission).

Conditions:
Joubert syndrome 23 (JBTS23). Identifiers: Orphanet 475, MedGen C4084822, MONDO:0014664, OMIM 616490.
Short-rib thoracic dysplasia 14 with polydactyly (SRTD14). Identifiers: Orphanet 397715, MedGen C4225286, MONDO:0014688, OMIM 616546.

Allele frequency attached by ClinVar (database versions not stated): gnomAD 0.00002; ExAC 0.00003; gnomAD exomes 0.00003; TOPMed 0.00004.
gnomAD v4.1: 49 of 1,612,796 alleles (0.003%); highest among the groups gnomAD compares: Admixed American, 0.01%; no homozygotes.

Submission:

Labcorp Genetics (formerly Invitae), Labcorp
Classification: Uncertain significance for Joubert syndrome 23; Short-rib thoracic dysplasia 14 with polydactyly. Last evaluated: 2022-05-25. Review status: criteria provided, single submitter. Criteria: Invitae Variant Classification Sherloc (09022015). Collection method: clinical testing. Allele origin: germline.
Comment: This sequence change replaces proline, which is neutral and non-polar, with serine, which is neutral and polar, at codon 1418 of the KIAA0586 protein (p.Pro1418Ser). This variant is present in population databases (rs776582851, gnomAD 0.01%). This variant has not been reported in the literature in individuals affected with KIAA0586-related conditions. Algorithms developed to predict the effect of missense changes on protein structure and function output the following: SIFT: "Tolerated"; PolyPhen-2: "Benign"; Align-GVGD: "Class C0". The serine amino acid residue is found in multiple mammalian species, which suggests that this missense change does not adversely affect protein function. In summary, the available evidence is currently insufficient to determine the role of this variant in disease. Therefore, it has been classified as a Variant of Uncertain Significance.